The following is an entry in ClinVar:

NM_052945.4(TNFRSF13C):c.511A>T (p.Thr171Ser)

Gene: TNFRSF13C (TNF receptor superfamily member 13C; minus strand). Cytogenetic location: 22q13.2.
Variant type: single nucleotide variant.
Coding change: c.511A>T on transcript NM_052945.4 (MANE Select); coding-DNA position 511, A replaced by T.
Protein change: p.Thr171Ser; replaces threonine 171 with serine.
Molecular consequence: missense variant.
Genome position (GRCh38, 1-based): chr22:41,925,411, T>A on the plus strand (A>T on the coding strand, the complement: TNFRSF13C is on the minus strand). VCF-style: chr22-41925411-T-A. GRCh37 (hg19) VCF-style: chr22-42321415-T-A.
Other names: short protein forms T171S.
Identifiers: ClinVar variation 1931287 (VCV001931287.5), dbSNP rs754696298, ClinGen allele CA10262423.

ClinVar aggregate classification (germline): Uncertain significance (1 of 4 stars; one submission).

Conditions:
Immunodeficiency, common variable, 4. Also called: ANTIBODY DEFICIENCY DUE TO BAFFR DEFECT. Identifiers: Orphanet 1572, Orphanet 696925, MedGen C3150739, MONDO:0013284, OMIM 613494.

Allele frequency attached by ClinVar (database versions not stated): gnomAD 0.00001; gnomAD exomes 0.00002; ExAC 0.00004.
gnomAD v4.1: 35 of 1,610,078 alleles (0.0022%); highest among the groups gnomAD compares: South Asian, 0.038%; no homozygotes.

Submission:

Labcorp Genetics (formerly Invitae), Labcorp
Classification: Uncertain significance for Immunodeficiency, common variable, 4. Last evaluated: 2025-05-28. Review status: criteria provided, single submitter. Criteria: Invitae Variant Classification Sherloc (09022015). Collection method: clinical testing. Allele origin: germline.
Comment: This sequence change replaces threonine, which is neutral and polar, with serine, which is neutral and polar, at codon 171 of the TNFRSF13C protein (p.Thr171Ser). This variant is present in population databases (rs754696298, gnomAD 0.04%). This variant has not been reported in the literature in individuals affected with TNFRSF13C-related conditions. ClinVar contains an entry for this variant (Variation ID: 1931287). An algorithm developed to predict the effect of missense changes on protein structure and function (PolyPhen-2) suggests that this variant is likely to be disruptive. In summary, the available evidence is currently insufficient to determine the role of this variant in disease. Therefore, it has been classified as a Variant of Uncertain Significance.